The following is an entry in ClinVar:

ClinVar aggregate classification (germline): Uncertain significance (1 of 4 stars; one submission).

gnomAD v4.1: 2 of 1,614,146 alleles (0.00012%); highest among the groups gnomAD compares: East Asian, 0.0045%; no homozygotes.

Submission:

Women's Health and Genetics/Laboratory Corporation of America, LabCorp
Classification: Uncertain significance. Last evaluated: 2024-12-27. Review status: criteria provided, single submitter. Criteria: LabCorp Variant Classification Summary - May 2015. Collection method: clinical testing. Allele origin: germline.
Comment: Variant summary: HLCS c.1080A>C (p.Arg360Ser) results in a non-conservative amino acid change in the encoded protein sequence. Five of five in-silico tools predict a damaging effect of the variant on protein function. The variant allele was found at a frequency of 4e-06 in 251474 control chromosomes. c.1080A>C has been reported in the literature in the compound heterozygous state in at least one individual affected with Holocarboxylase Synthetase Deficiency (Yang_2001). These data do not allow any conclusion about variant significance. At least one publication reports experimental evidence evaluating an impact on protein function. The most pronounced variant effect results in 22% of normal activity (Yang_2001). The following publication have been ascertained in the context of this evaluation (PMID: 11735028). No submitters have cited clinical-significance assessments for this variant to ClinVar. Based on the evidence outlined above, the variant was classified as VUS-possibly pathogenic.

Literature cited by the submitters: PubMed 11735028.

NM_001352514.2(HLCS):c.1521A>C (p.Arg507Ser)

Gene: HLCS (holocarboxylase synthetase; minus strand). Cytogenetic location: 21q22.13.
Variant type: single nucleotide variant.
Coding change: c.1521A>C on transcript NM_001352514.2 (MANE Select); coding-DNA position 1521, A replaced by C.
Protein change: p.Arg507Ser; replaces arginine 507 with serine.
Molecular consequence: missense variant. On other transcripts: non-coding transcript variant (2).
Genome position (GRCh38, 1-based): chr21:36,930,350, T>G on the plus strand (A>C on the coding strand, the complement: HLCS is on the minus strand). VCF-style: chr21-36930350-T-G. GRCh37 (hg19) VCF-style: chr21-38302650-T-G.
Other names: c.1080A>C, p.Arg360Ser (NM_000411.8, NM_001242784.3, NM_001242785.2 and 4 more transcripts); short protein forms R360S, R507S.
Identifiers: ClinVar variation 3768203 (VCV003768203.1).